The following is an entry in ClinVar:

ClinVar aggregate classification (germline): Likely pathogenic (1 of 4 stars; one submission).

Conditions:
Dilated cardiomyopathy 1G (CMD1G). Identifiers: Orphanet 154, MedGen C1858763, MONDO:0011400, OMIM 604145.
Autosomal recessive limb-girdle muscular dystrophy type 2J (LGMDR10). Also called: Limb-girdle muscular dystrophy, type 2J; MUSCULAR DYSTROPHY, LIMB-GIRDLE, AUTOSOMAL RECESSIVE 10. Identifiers: Orphanet 140922, MedGen C1837342, MONDO:0012127, OMIM 608807.

gnomAD v4.1: 1 of 1,612,308 alleles (0.000062%); highest among the groups gnomAD compares: Non-Finnish European, 0.000085%; no homozygotes.

Submission:

Labcorp Genetics (formerly Invitae), Labcorp
Classification: Likely pathogenic for Dilated cardiomyopathy 1G; Autosomal recessive limb-girdle muscular dystrophy type 2J. Last evaluated: 2024-10-18. Review status: criteria provided, single submitter. Criteria: Invitae Variant Classification Sherloc (09022015). Collection method: clinical testing. Allele origin: germline.
Comment: This sequence change creates a premature translational stop signal (p.Tyr15165*) in the TTN gene. While this is not anticipated to result in nonsense mediated decay, it is expected to create a truncated TTN protein. This variant is not present in population databases (gnomAD no frequency). This variant has not been reported in the literature in individuals affected with TTN-related conditions. This variant is located in the I band of TTN (PMID: 25589632). Truncating variants in this region have been reported in individuals affected with autosomal recessive centronuclear myopathy (PMID: 23975875, internal data). Truncating variants in this region have also been identified in individuals affected with autosomal dominant dilated cardiomyopathy and/or cardio-related conditions (PMID: 27869827, 32964742, internal data). In summary, the currently available evidence indicates that the variant is pathogenic, but additional data are needed to prove that conclusively. Therefore, this variant has been classified as Likely Pathogenic.

Literature cited by the submitters: PubMed 25589632; PubMed 23975875; PubMed 27869827; PubMed 32964742.

NM_001267550.2(TTN):c.45495T>G (p.Tyr15165Ter)

Genes: TTN (titin; minus strand), LOC126806427 (BRD4-independent group 4 enhancer GRCh37_chr2:179485777-179486976; plus strand). Cytogenetic location: 2q31.2.
Variant type: single nucleotide variant.
Coding change: c.45495T>G on transcript NM_001267550.2 (MANE Select); coding-DNA position 45495, T replaced by G.
Protein change: p.Tyr15165Ter; replaces tyrosine 15165 with a stop codon.
Molecular consequence: nonsense.
Genome position (GRCh38, 1-based): chr2:178,621,223, A>C on the plus strand (T>G on the coding strand, the complement: TTN is on the minus strand). VCF-style: chr2-178621223-A-C. GRCh37 (hg19) VCF-style: chr2-179485950-A-C.
Other names: c.40572T>G, p.Tyr13524Ter (NM_001256850.1); c.18300T>G, p.Tyr6100Ter (NM_003319.4); c.37791T>G, p.Tyr12597Ter (NM_133378.4); c.18675T>G, p.Tyr6225Ter (NM_133432.3); c.18876T>G, p.Tyr6292Ter (NM_133437.4); short protein forms Y12597*, Y6100*, Y6225*, Y15165*, Y13524*, Y6292*.
Identifiers: ClinVar variation 2947799 (VCV002947799.3), dbSNP rs2471038111, ClinGen allele CA349633949.
Genomic context (GRCh38, chr2:178,621,223, plus strand): 5'-ATCTTGTAATGTGGCATCTTTCACAACTAGGACCCTCTTTTTACCATCAGCAATAACGTC[A>C]TATTTATCTCCAGATTCAAGTGTCTTATCATCCCTCTTCCACTGGACTGGAAAGCTTTCT-3'